The following is an entry in ClinVar:

ClinVar aggregate classification (germline): Conflicting classifications of pathogenicity. Review status: criteria provided, conflicting classifications (1 of 4 stars). 3 submissions from 3 submitters: Uncertain significance (2); Likely benign (1). Last evaluated 2026-08-03.

Conditions:
FGF3-related disorder. Also called: FGF3-related condition.

Allele frequency attached by ClinVar (database versions not stated): gnomAD exomes 0.00003; 1000 Genomes Project 0.00020; ExAC 0.00024; 1000 Genomes Project 30x 0.00031; TOPMed 0.00038; gnomAD 0.00042; ESP Exome Variant Server 0.00046.
gnomAD v4.1: 110 of 1,609,168 alleles (0.0068%); highest among the groups gnomAD compares: African/African-American, 0.13%; no homozygotes.

Submissions (3):

PreventionGenetics, part of Exact Sciences
Classification: Likely benign for FGF3-related condition. Last evaluated: 2026-08-03. Review status: criteria provided, single submitter. Criteria: ACMG Guidelines, 2015. Collection method: clinical testing. Allele origin: germline.
Comment: This variant is classified as likely benign based on ACMG/AMP sequence variant interpretation guidelines (Richards et al. 2015 PMID: 25741868, with internal and published modifications).

GeneDx
Classification: Uncertain significance. Last evaluated: 2025-06-25. Review status: criteria provided, single submitter. Criteria: GeneDx Variant Classification Process June 2021. Collection method: clinical testing. Allele origin: germline.
Comment: In silico analysis supports that this missense variant has a deleterious effect on protein structure/function; Has not been previously published as pathogenic or benign to our knowledge

Labcorp Genetics (formerly Invitae), Labcorp
Classification: Uncertain significance. Last evaluated: 2023-08-04. Review status: criteria provided, single submitter. Criteria: Invitae Variant Classification Sherloc (09022015). Collection method: clinical testing. Allele origin: germline.
Comment: In summary, the available evidence is currently insufficient to determine the role of this variant in disease. Therefore, it has been classified as a Variant of Uncertain Significance. An algorithm developed to predict the effect of missense changes on protein structure and function (PolyPhen-2) suggests that this variant is likely to be disruptive. ClinVar contains an entry for this variant (Variation ID: 2076938). This variant has not been reported in the literature in individuals affected with FGF3-related conditions. This variant is present in population databases (rs35983315, gnomAD 0.2%). This sequence change replaces arginine, which is basic and polar, with histidine, which is basic and polar, at codon 171 of the FGF3 protein (p.Arg171His).

NM_005247.4(FGF3):c.512G>A (p.Arg171His)

Gene: FGF3 (fibroblast growth factor 3; minus strand). Cytogenetic location: 11q13.3.
Variant type: single nucleotide variant.
Coding change: c.512G>A on transcript NM_005247.4 (MANE Select); coding-DNA position 512, G replaced by A.
Protein change: p.Arg171His; replaces arginine 171 with histidine.
Molecular consequence: missense variant.
Genome position (GRCh38, 1-based): chr11:69,810,513, C>T on the plus strand (G>A on the coding strand, the complement: FGF3 is on the minus strand). VCF-style: chr11-69810513-C-T. GRCh37 (hg19) VCF-style: chr11-69625281-C-T.
Other names: c.512G>A (NM_005247.2); short protein forms R171H.
Identifiers: ClinVar variation 2076938 (VCV002076938.6), dbSNP rs35983315, ClinGen allele CA6157045.
Genomic context (GRCh38, chr11:69,810,513, plus strand): 5'-ACCATCTCGTGGTCCCTGTGGTCCAGCACGCGGGGCAGGAACAGGGAGGACTTCTGTGTG[C>T]GGCGGGTCTTGAAGCCCCTGCGGGGCCGGCCCTTGCCGTTCACAGACACGTACCACAGTC-3'
Protein context (NP_005238.1, residues 161-181): GRPRRGFKTR[Arg171His]TQKSSLFLPR